The following is an entry in ClinVar:

NM_206965.2(FTCD):c.959G>A (p.Arg320Gln)

Gene: FTCD (formimidoyltransferase cyclodeaminase; minus strand). Cytogenetic location: 21q22.3.
Variant type: single nucleotide variant.
Coding change: c.959G>A on transcript NM_206965.2 (MANE Select); coding-DNA position 959, G replaced by A.
Protein change: p.Arg320Gln; replaces arginine 320 with glutamine.
Molecular consequence: missense variant.
Genome position (GRCh38, 1-based): chr21:46,146,275, C>T on the plus strand (G>A on the coding strand, the complement: FTCD is on the minus strand). VCF-style: chr21-46146275-C-T. GRCh37 (hg19) VCF-style: chr21-47566189-C-T.
Other names: c.959G>A, p.Arg320Gln (NM_001320412.2, NM_006657.3); short protein forms R320Q.
Identifiers: ClinVar variation 665224 (VCV000665224.11), dbSNP rs77740289, ClinGen allele CA10073647.
Genomic context (GRCh38, chr21:46,146,275, plus strand): 5'-AGAGGCAGAGCCCGGGAGGGGTGAGAAGAGGGCGGGAGGGCAGAGGCTCACTCGATGATC[C>T]GCTCCTTAGGGCTGAAGGGGCACAGGGAGTCCAGGCCCAGCCGGCTCACCACCTGGAAAA-3'
Protein context (NP_996848.1, residues 310-330): DSLCPFSPKE[Arg320Gln]IIEYLVPERG

ClinVar aggregate classification (germline): Uncertain significance. Review status: criteria provided, multiple submitters, no conflicts (2 of 4 stars). 5 submissions from 5 submitters: Uncertain significance (4). 1 of the submissions does not count toward it. Last evaluated 2025-12-16.

Conditions:
Myoepithelial tumor. Identifiers: MedGen C0027070, MeSH D009208, MONDO:0002380.
Inborn genetic diseases. Identifiers: MedGen C0950123, MeSH D030342.
Glutamate formiminotransferase deficiency. Also called: Arakawa syndrome 1; Formiminoglutamic aciduria. Identifiers: Orphanet 51208, MedGen C0268609, MONDO:0009240, OMIM 229100.

Allele frequency attached by ClinVar (database versions not stated): gnomAD exomes 0.00023 and 0.00024; 1000 Genomes Project 0.00040; 1000 Genomes Project 30x 0.00047; TOPMed 0.00038; ESP Exome Variant Server 0.00054; ExAC 0.00050; gnomAD 0.00030 and 0.00031.

Submissions (5):

Labcorp Genetics (formerly Invitae), Labcorp
Classification: Uncertain significance for Glutamate formiminotransferase deficiency. Last evaluated: 2025-12-16. Review status: criteria provided, single submitter. Criteria: Invitae Variant Classification Sherloc (09022015). Collection method: clinical testing. Allele origin: germline.
Comment: This sequence change replaces arginine, which is basic and polar, with glutamine, which is neutral and polar, at codon 320 of the FTCD protein (p.Arg320Gln). This variant is present in population databases (rs77740289, gnomAD 0.04%). This variant has not been reported in the literature in individuals affected with FTCD-related conditions. ClinVar contains an entry for this variant (Variation ID: 665224). Invitae Evidence Modeling of protein sequence and biophysical properties (such as structural, functional, and spatial information, amino acid conservation, physicochemical variation, residue mobility, and thermodynamic stability) indicates that this missense variant is not expected to disrupt FTCD protein function with a negative predictive value of 80%. In summary, the available evidence is currently insufficient to determine the role of this variant in disease. Therefore, it has been classified as a Variant of Uncertain Significance.

GeneDx
Classification: Uncertain significance. Last evaluated: 2024-10-28. Review status: criteria provided, single submitter. Criteria: GeneDx Variant Classification Process June 2021. Collection method: clinical testing. Allele origin: germline.
Comment: In silico analysis supports that this missense variant has a deleterious effect on protein structure/function; Has not been previously published as pathogenic or benign to our knowledge

Ambry Genetics
Classification: Uncertain significance for Inborn genetic diseases. Last evaluated: 2023-05-17. Review status: criteria provided, single submitter. Criteria: Ambry Variant Classification Scheme 2023. Collection method: clinical testing. Allele origin: germline.

Breakthrough Genomics
Classification: Uncertain significance. Review status: criteria provided, single submitter. Criteria: ACMG Guidelines, 2015. Collection method: not provided. Allele origin: germline. Inheritance: Autosomal dominant inheritance. Affected: yes.

Caryl and Israel Englander Institute for Precision Medicine, Weill Cornell Medicine
Classification: Uncertain significance for Myoepithelial tumor. Last evaluated: 2022-11-01. Review status: no assertion criteria provided. Collection method: research. Allele origin: somatic. Affected: yes. Not counted in ClinVar's aggregate classification.